The following is an entry in ClinVar:

ClinVar aggregate classification (germline): Uncertain significance. Review status: criteria provided, multiple submitters, no conflicts (2 of 4 stars). 2 submissions from 2 submitters: Uncertain significance (2). Last evaluated 2025-01-23.

Conditions:
Neuropathy, hereditary sensory and autonomic, type 2A (HSAN2A). Also called: HSAN IIA; WNK1-Related HSAN2 (HSAN2A); ACROOSTEOLYSIS, GIACCAI TYPE; ACROOSTEOLYSIS, NEUROGENIC; MORVAN DISEASE; NEUROPATHY, CONGENITAL SENSORY. Identifiers: Orphanet 970, MedGen C2752089, MONDO:0024309, OMIM 201300.
Pseudohypoaldosteronism type 2C (PHA2C). Also called: Pseudohypoaldosteronism Type IIC. Identifiers: Orphanet 757, Orphanet 88940, MedGen C1840391, MONDO:0013778, OMIM 614492.

Submissions (2):

GeneDx
Classification: Uncertain significance. Last evaluated: 2025-01-23. Review status: criteria provided, single submitter. Criteria: GeneDx Variant Classification Process June 2021. Collection method: clinical testing. Allele origin: germline. Affected: yes.
Comment: Not observed at significant frequency in large population cohorts (gnomAD); In-frame deletion of 9 amino acids in a non-repeat region; Has not been previously published as pathogenic or benign to our knowledge; In silico analysis does not support a benign or deleterious effect of this variant on protein structure/function

Labcorp Genetics (formerly Invitae), Labcorp
Classification: Uncertain significance for Neuropathy, hereditary sensory and autonomic, type 2A; Pseudohypoaldosteronism type 2C. Last evaluated: 2022-06-26. Review status: criteria provided, single submitter. Criteria: Invitae Variant Classification Sherloc (09022015). Collection method: clinical testing. Allele origin: germline.
Comment: In summary, the available evidence is currently insufficient to determine the role of this variant in disease. Therefore, it has been classified as a Variant of Uncertain Significance. Experimental studies and prediction algorithms are not available or were not evaluated, and the functional significance of this variant is currently unknown. This variant has not been reported in the literature in individuals affected with WNK1-related conditions. This variant is present in population databases (rs765684170, gnomAD 0.003%). This variant, c.2706_2732del, results in the deletion of 9 amino acid(s) of the WNK1 protein (p.His904_Val912del), but otherwise preserves the integrity of the reading frame.

NM_213655.5(WNK1):c.2706_2732del (p.His904_Val912del)

Gene: WNK1 (WNK lysine deficient protein kinase 1; plus strand). Cytogenetic location: 12p13.33.
Variant type: Deletion.
Coding change: c.2706_2732del on transcript NM_213655.5 (MANE Plus Clinical); coding-DNA positions 2706 to 2732, 27 bases deleted (GGTCCATCCTATGTTTGAACCATCTCA).
Protein change: p.His904_Val912del.
Molecular consequence: inframe deletion. On other transcripts: intron variant (2).
Genome position (GRCh38, 1-based): chr12:868,177-868,203, GGTCCATCCTATGTTTGAACCATCTCA deleted; deleting any 27 consecutive bases within chr12:868,175-868,203 gives the same sequence; the c. name uses the placement nearest the transcript's 3' end. VCF-style (leftmost placement, unchanged base first): chr12-868174-ACAGGTCCATCCTATGTTTGAACCATCT-A. GRCh37 (hg19) VCF-style: chr12-977340-ACAGGTCCATCCTATGTTTGAACCATCT-A.
Other names: c.2706_2732del (NM_213655.4); c.2451_2477del, p.His819_Val827del (NM_001184985.2); c.2140-3088_2140-3062del (NM_018979.4, NM_014823.3).
Identifiers: ClinVar variation 1981073 (VCV001981073.5), dbSNP rs765684170, ClinGen allele CA6382226.
Genomic context (GRCh38, chr12:868,174, plus strand): 5'-AGAGGCCGTAGTTATGTTGGGTACTACAGCCAGTAGAGTAACTGGAGAGTCATGTGAGAT[ACAGGTCCATCCTATGTTTGAACCATCT>A]CAAGTTTACAGTGACTATAGACCTGGACTAGTACTTCCAGAAGAAGCTCACTATTTTATT-3'